The following is an entry in ClinVar:

ClinVar aggregate classification (germline): Uncertain significance (0 of 4 stars; one submission).

Conditions:
FOXE1-related disorder. Also called: FOXE1-related condition.

gnomAD v4.1: 20 of 1,609,940 alleles (0.0012%); highest among the groups gnomAD compares: East Asian, 0.038%; no homozygotes.

Submission:

PreventionGenetics, part of Exact Sciences
Classification: Uncertain significance for FOXE1-related condition. Last evaluated: 2024-06-18. Review status: no assertion criteria provided. Collection method: clinical testing. Allele origin: germline.
Comment: The FOXE1 c.1090G>A variant is predicted to result in the amino acid substitution p.Gly364Ser. This variant has been reported in two cohorts of individuals with orofacial clefts (Srichomthong. 2013. PubMed ID: 24252547; Peng et al. 2016. PubMed ID: 27527345), and in a cohort of individuals with congenital hypothyroidism (Table S2, Wang et al. 2020. PubMed ID: 32425884); however, no additional studies were performed to help assess the pathogenicity of this variant. This variant is reported in 0.062% of alleles in individuals of East Asian descent in gnomAD. At this time, the clinical significance of this variant is uncertain due to the absence of conclusive functional and genetic evidence.

NM_004473.4(FOXE1):c.1090G>A (p.Gly364Ser)

Gene: FOXE1 (forkhead box E1; plus strand). Cytogenetic location: 9q22.33.
Variant type: single nucleotide variant.
Coding change: c.1090G>A on transcript NM_004473.4 (MANE Select); coding-DNA position 1090, G replaced by A.
Protein change: p.Gly364Ser; replaces glycine 364 with serine.
Molecular consequence: missense variant.
Genome position (GRCh38, 1-based): chr9:97,855,004, G>A. VCF-style: chr9-97855004-G-A. GRCh37 (hg19) VCF-style: chr9-100617286-G-A.
Other names: short protein forms G364S.
Identifiers: ClinVar variation 3357014 (VCV003357014.1).